The following is an entry in ClinVar:

NM_001330078.2(NRXN1):c.4494_4496del (p.Lys1499del)

Gene: NRXN1 (neurexin 1; minus strand). Cytogenetic location: 2p16.3.
Variant type: Deletion.
Coding change: c.4494_4496del on transcript NM_001330078.2 (MANE Select); coding-DNA positions 4494 to 4496, 3 bases deleted (GAA; older notation c.4494_4496delGAA).
Protein change: p.Lys1499del; deletes lysine 1499.
Molecular consequence: inframe deletion.
Genome position (GRCh38, 1-based): chr2:49,921,972-49,921,974, TTC deleted on the plus strand (GAA on the coding strand, the reverse complement: NRXN1 is on the minus strand); deleting any 3 consecutive bases within chr2:49,921,972-49,921,976 gives the same sequence; the c. name uses the placement nearest the transcript's 3' end. VCF-style (leftmost placement, unchanged base first): chr2-49921971-TTTC-T. GRCh37 (hg19) VCF-style: chr2-50149109-TTTC-T.
Other names: c.4614_4616del, p.Lys1539del (NM_001135659.3); c.399_401del, p.Lys134del (NM_001320156.4); c.390_392del, p.Lys131del (NM_001320157.4); c.4470_4472del, p.Lys1491del (NM_001330077.2); c.1389_1391del, p.Lys464del (NM_001330092.2); c.4491_4493del, p.Lys1498del (NM_001330093.2); c.4473_4475del, p.Lys1492del (NM_001330094.2); c.4353_4355del, p.Lys1452del (NM_001330095.2); and 12 more; short protein forms K1539del, K1490del, K1498del, K434del, K131del, K134del, K1432del, K1444del.
Identifiers: ClinVar variation 206270 (VCV000206270.4), dbSNP rs796052785, ClinGen allele CA316187.

ClinVar aggregate classification (germline): Uncertain significance. Review status: criteria provided, multiple submitters, no conflicts (2 of 4 stars). 2 submissions from 2 submitters: Uncertain significance (2). Last evaluated 2025-06-12.

Conditions:
Pitt-Hopkins-like syndrome 2 (PTHSL2). Identifiers: Orphanet 221150, Orphanet 600663, MedGen C3280479, MONDO:0013690, OMIM 614325.

Submissions (2):

Labcorp Genetics (formerly Invitae), Labcorp
Classification: Uncertain significance for Pitt-Hopkins-like syndrome 2. Last evaluated: 2025-06-12. Review status: criteria provided, single submitter. Criteria: Invitae Variant Classification Sherloc (09022015). Collection method: clinical testing. Allele origin: germline.
Comment: This variant, c.4614_4616del, results in the deletion of 1 amino acid(s) of the NRXN1 protein (p.Lys1539del), but otherwise preserves the integrity of the reading frame. This variant is present in population databases (rs796052785, gnomAD 0.0009%). This variant has not been reported in the literature in individuals affected with NRXN1-related conditions. ClinVar contains an entry for this variant (Variation ID: 206270). Experimental studies and prediction algorithms are not available or were not evaluated, and the functional significance of this variant is currently unknown. In summary, the available evidence is currently insufficient to determine the role of this variant in disease. Therefore, it has been classified as a Variant of Uncertain Significance.

GeneDx
Classification: Uncertain significance. Last evaluated: 2012-07-17. Review status: criteria provided, single submitter. Criteria: GeneDx Variant Classification (06012015). Collection method: clinical testing. Allele origin: germline. Affected: yes.
Comment: The p.Lys1539del has not been published as a mutation nor reported as a benign polymorphism, to our knowledge. Lys1539 is a well conserved position across species but does not lie within any known functional domain. Based on the currently available information, it is unclear whether p.Lys1539del is a disease-causing mutation or a rare benign variant. The variant is found in CHILD-EPI panel(s).